The following is an entry in ClinVar:

NM_002485.5(NBN):c.658C>G (p.Gln220Glu)

Gene: NBN (nibrin; minus strand). Cytogenetic location: 8q21.3.
Variant type: single nucleotide variant.
Coding change: c.658C>G on transcript NM_002485.5 (MANE Select); coding-DNA position 658, C replaced by G.
Protein change: p.Gln220Glu; replaces glutamine 220 with glutamic acid.
Molecular consequence: missense variant.
Genome position (GRCh38, 1-based): chr8:89,971,217, G>C on the plus strand (C>G on the coding strand, the complement: NBN is on the minus strand). VCF-style: chr8-89971217-G-C. GRCh37 (hg19) VCF-style: chr8-90983445-G-C.
Other names: c.412C>G, p.Gln138Glu (NM_001024688.3); short protein forms Q220E, Q138E.
Identifiers: ClinVar variation 232510 (VCV000232510.20), dbSNP rs876659811, ClinGen allele CA10578797.

ClinVar aggregate classification (germline): Uncertain significance. Review status: criteria provided, multiple submitters, no conflicts (2 of 4 stars). 4 submissions from 4 submitters: Uncertain significance (4). Last evaluated 2025-05-05.

Conditions:
Hereditary cancer-predisposing syndrome. Also called: Hereditary Cancer Syndrome; Neoplastic Syndromes, Hereditary; Tumor predisposition; Hereditary neoplastic syndrome. Identifiers: Orphanet 140162, MedGen C0027672, MeSH D009386, MONDO:0015356.
Microcephaly, normal intelligence and immunodeficiency (NBS). Also called: BERLIN BREAKAGE SYNDROME; Ataxia telangiectasia variant V1; IMMUNODEFICIENCY, MICROCEPHALY, AND CHROMOSOMAL INSTABILITY; SEEMANOVA SYNDROME II; Nijmegen breakage syndrome; Microcephaly with normal intelligence immunodeficiency and lymphoreticular malignancies. Identifiers: Orphanet 647, MedGen C0398791, MONDO:0009623, OMIM 251260.

Allele frequency attached by ClinVar (database versions not stated): TOPMed below 0.00001; gnomAD 0.00001.
gnomAD v4.1: 1 of 1,612,244 alleles (0.000062%); highest among the groups gnomAD compares: Non-Finnish European, 0.000085%; no homozygotes.

Submissions (4):

Labcorp Genetics (formerly Invitae), Labcorp
Classification: Uncertain significance for Microcephaly, normal intelligence and immunodeficiency. Last evaluated: 2025-05-05. Review status: criteria provided, single submitter. Criteria: Invitae Variant Classification Sherloc (09022015). Collection method: clinical testing. Allele origin: germline.
Comment: This sequence change replaces glutamine, which is neutral and polar, with glutamic acid, which is acidic and polar, at codon 220 of the NBN protein (p.Gln220Glu). This variant is not present in population databases (gnomAD no frequency). This variant has not been reported in the literature in individuals affected with NBN-related conditions. ClinVar contains an entry for this variant (Variation ID: 232510). An algorithm developed to predict the effect of missense changes on protein structure and function (PolyPhen-2) suggests that this variant is likely to be tolerated. In summary, the available evidence is currently insufficient to determine the role of this variant in disease. Therefore, it has been classified as a Variant of Uncertain Significance.

GeneDx
Classification: Uncertain significance. Last evaluated: 2025-01-10. Review status: criteria provided, single submitter. Criteria: GeneDx Variant Classification Process June 2021. Collection method: clinical testing. Allele origin: germline. Affected: yes.
Comment: Not observed at significant frequency in large population cohorts (gnomAD); In silico analysis indicates that this missense variant does not alter protein structure/function; Has not been previously published as pathogenic or benign to our knowledge; This variant is associated with the following publications: (PMID: 28663582)

Ambry Genetics
Classification: Uncertain significance for Hereditary cancer-predisposing syndrome. Last evaluated: 2024-03-12. Review status: criteria provided, single submitter. Criteria: Ambry Variant Classification Scheme 2023. Collection method: clinical testing. Allele origin: germline.
Comment: The p.Q220E variant (also known as c.658C>G), located in coding exon 6 of the NBN gene, results from a C to G substitution at nucleotide position 658. The glutamine at codon 220 is replaced by glutamic acid, an amino acid with highly similar properties. This amino acid position is not well conserved in available vertebrate species. In addition, this alteration is predicted to be tolerated by in silico analysis. Since supporting evidence is limited at this time, the clinical significance of this alteration remains unclear.

Genome-Nilou Lab
Classification: Uncertain significance for Microcephaly, normal intelligence and immunodeficiency. Last evaluated: 2021-11-07. Review status: criteria provided, single submitter. Criteria: ACMG Guidelines, 2015. Collection method: clinical testing. Allele origin: germline. Affected: no.